The following is an entry in ClinVar:

ClinVar aggregate classification (germline): Pathogenic. Review status: reviewed by expert panel (3 of 4 stars). 2 submissions from 2 submitters: Pathogenic (1). 1 of the submissions does not count toward it. Last evaluated 2016-10-18.

Conditions:
Breast-ovarian cancer, familial, susceptibility to, 2 (BROVCA2). Also called: BRCA2 Hereditary Breast and Ovarian Cancer. Identifiers: Orphanet 145, MedGen C2675520, MONDO:0012933, OMIM 612555. Disease mechanism: loss of function.

Submissions (2):

Evidence-based Network for the Interpretation of Germline Mutant Alleles (ENIGMA)
Classification: Pathogenic for Breast-ovarian cancer, familial, susceptibility to, 2. Last evaluated: 2016-10-18. Review status: reviewed by expert panel. Criteria: ENIGMA BRCA1/2 Classification Criteria (2015). Collection method: curation. Allele origin: germline.
Comment: Variant allele predicted to encode a truncated non-functional protein.

Consortium of Investigators of Modifiers of BRCA1/2 (CIMBA), c/o University of Cambridge
Classification: Pathogenic for Breast-ovarian cancer, familial, susceptibility to, 2. Last evaluated: 2015-10-02. Review status: criteria provided, single submitter. Criteria: CIMBA Mutation Classification guidelines May 2016. Collection method: clinical testing. Allele origin: germline. Not counted in ClinVar's aggregate classification.

NM_000059.4(BRCA2):c.248_249del (p.Glu83fs)

Gene: BRCA2 (BRCA2 DNA repair associated; plus strand). Cytogenetic location: 13q13.1.
Variant type: Microsatellite.
Coding change: c.248_249del on transcript NM_000059.4 (MANE Select); coding-DNA positions 248 to 249, 2 bases deleted (AG; older notation c.248_249delAG).
Protein change: p.Glu83fs; shifts the reading frame from glutamic acid 83.
Molecular consequence: frameshift variant.
Genome position (GRCh38, 1-based): chr13:32,319,257-32,319,258, AG deleted; deleting any 2 consecutive bases within chr13:32,319,255-32,319,258 gives the same sequence; the c. name uses the placement nearest the transcript's 3' end. VCF-style (leftmost placement, unchanged base first): chr13-32319254-AAG-A. GRCh37 (hg19) VCF-style: chr13-32893391-AAG-A.
Other names: 476_477delAG; c.248_249del (NM_000059.3); short protein forms E83fs.
Identifiers: ClinVar variation 266702 (VCV000266702.5), dbSNP rs886040429, ClinGen allele CA10589017.
Genomic context (GRCh38, chr13:32,319,254, plus strand): 5'-TTAAAACTCCACAAAGGAAACCATCTTATAATCAGCTGGCTTCAACTCCAATAATATTCA[AAG>A]AGCAAGGGCTGACTCTGCCGCTGTACCAATCTCCTGTAAAAGAATTAGATAAATTCAAAT-3'